The following is an entry in ClinVar:

NM_022047.4(DEF6):c.1861C>T (p.Gln621Ter)

Gene: DEF6 (DEF6 guanine nucleotide exchange factor; plus strand). Cytogenetic location: 6p21.31.
Variant type: single nucleotide variant.
Coding change: c.1861C>T on transcript NM_022047.4 (MANE Select); coding-DNA position 1861, C replaced by T.
Protein change: p.Gln621Ter; replaces glutamine 621 with a stop codon.
Molecular consequence: nonsense.
Genome position (GRCh38, 1-based): chr6:35,321,375, C>T. VCF-style: chr6-35321375-C-T. GRCh37 (hg19) VCF-style: chr6-35289152-C-T.
Other names: short protein forms Q621*.
Identifiers: ClinVar variation 1897695 (VCV001897695.5), dbSNP rs144407329, ClinGen allele CA3771029.

ClinVar aggregate classification (germline): Uncertain significance (1 of 4 stars; one submission).

Allele frequency attached by ClinVar (database versions not stated): TOPMed 0.00006; gnomAD 0.00007; ESP Exome Variant Server 0.00015.
gnomAD v4.1: 12 of 1,613,978 alleles (0.00074%); highest among the groups gnomAD compares: African/African-American, 0.016%; no homozygotes.

Submission:

Labcorp Genetics (formerly Invitae), Labcorp
Classification: Uncertain significance. Last evaluated: 2023-12-11. Review status: criteria provided, single submitter. Criteria: Invitae Variant Classification Sherloc (09022015). Collection method: clinical testing. Allele origin: germline.
Comment: This sequence change creates a premature translational stop signal (p.Gln621*) in the DEF6 gene. While this is not anticipated to result in nonsense mediated decay, it is expected to disrupt the last 11 amino acid(s) of the DEF6 protein. This variant is present in population databases (rs144407329, gnomAD 0.01%). This variant has not been reported in the literature in individuals affected with DEF6-related conditions. ClinVar contains an entry for this variant (Variation ID: 1897695). Experimental studies and prediction algorithms are not available or were not evaluated, and the functional significance of this variant is currently unknown. Algorithms developed to predict the effect of sequence changes on RNA splicing suggest that this variant may create or strengthen a splice site. In summary, the available evidence is currently insufficient to determine the role of this variant in disease. Therefore, it has been classified as a Variant of Uncertain Significance.